The following is an entry in ClinVar:

NM_000213.5(ITGB4):c.3229C>T (p.Arg1077Cys)

Gene: ITGB4 (integrin subunit beta 4; plus strand). Cytogenetic location: 17q25.1.
Variant type: single nucleotide variant.
Coding change: c.3229C>T on transcript NM_000213.5 (MANE Select); coding-DNA position 3229, C replaced by T.
Protein change: p.Arg1077Cys; replaces arginine 1077 with cysteine.
Molecular consequence: missense variant.
Genome position (GRCh38, 1-based): chr17:75,748,958, C>T. VCF-style: chr17-75748958-C-T. GRCh37 (hg19) VCF-style: chr17-73745039-C-T.
Other names: c.3229C>T, p.Arg1077Cys (NM_001005619.2, NM_001005731.3, NM_001321123.2); short protein forms R1077C.
Identifiers: ClinVar variation 2971298 (VCV002971298.1), dbSNP rs777888955, ClinGen allele CA8769740.

ClinVar aggregate classification (germline): Uncertain significance (1 of 4 stars; one submission).

Allele frequency attached by ClinVar (database versions not stated): ExAC 0.00003; gnomAD 0.00003; TOPMed 0.00003.
gnomAD v4.1: 59 of 1,613,360 alleles (0.0037%); highest among the groups gnomAD compares: Middle Eastern, 0.016%; no homozygotes.

Submission:

Labcorp Genetics (formerly Invitae), Labcorp
Classification: Uncertain significance. Last evaluated: 2023-12-11. Review status: criteria provided, single submitter. Criteria: Invitae Variant Classification Sherloc (09022015). Collection method: clinical testing. Allele origin: germline.
Comment: This sequence change replaces arginine, which is basic and polar, with cysteine, which is neutral and slightly polar, at codon 1077 of the ITGB4 protein (p.Arg1077Cys). This variant is present in population databases (rs777888955, gnomAD 0.006%). This variant has not been reported in the literature in individuals affected with ITGB4-related conditions. Advanced modeling of protein sequence and biophysical properties (such as structural, functional, and spatial information, amino acid conservation, physicochemical variation, residue mobility, and thermodynamic stability) performed at Invitae indicates that this missense variant is not expected to disrupt ITGB4 protein function with a negative predictive value of 80%. In summary, the available evidence is currently insufficient to determine the role of this variant in disease. Therefore, it has been classified as a Variant of Uncertain Significance.